The following is an entry in ClinVar:

NM_006015.6(ARID1A):c.1560G>A (p.Gln520=)

Gene: ARID1A (AT-rich interaction domain 1A; plus strand). Cytogenetic location: 1p36.11.
Variant type: single nucleotide variant.
Coding change: c.1560G>A on transcript NM_006015.6 (MANE Select); coding-DNA position 1560, G replaced by A.
Protein change: p.Gln520=; no amino-acid change (glutamine 520 retained).
Molecular consequence: synonymous variant.
Genome position (GRCh38, 1-based): chr1:26,731,361, G>A. VCF-style: chr1-26731361-G-A. GRCh37 (hg19) VCF-style: chr1-27057852-G-A.
Other names: c.1560G>A, p.Gln520= (NM_139135.4).
Identifiers: ClinVar variation 3687270 (VCV003687270.3).
Genomic context (GRCh38, chr1:26,731,361, plus strand): 5'-TCAGCAGCAGCCACAGTCTCAACCACCACAGCTCCAGTCCTCTCAGCCTCCATACTCCCA[G>A]CAGCCATCCCAGCCTCCACATCAGCAGTCCCCGGCTCCATACCCCTCCCAGCAGTCGACG-3'
Protein context (NP_006006.3, residues 510-530): QLQSSQPPYS[Gln520=]QPSQPPHQQS

ClinVar aggregate classification (germline): Benign/Likely benign. Review status: criteria provided, multiple submitters, no conflicts (2 of 4 stars). 2 submissions from 2 submitters: Benign (1); Likely benign (1). Last evaluated 2025-12-22.

Conditions:
ARID1A-related disorder. Also called: ARID1A-related condition.

gnomAD v4.1: 4 of 1,613,664 alleles (0.00025%); highest among the groups gnomAD compares: South Asian, 0.0022%; no homozygotes.

Submissions (2):

PreventionGenetics, part of Exact Sciences
Classification: Likely benign for ARID1A-related condition. Last evaluated: 2025-12-22. Review status: criteria provided, single submitter. Criteria: ACMG Guidelines, 2015. Collection method: clinical testing. Allele origin: germline.
Comment: This variant is classified as likely benign based on ACMG/AMP sequence variant interpretation guidelines (Richards et al. 2015 PMID: 25741868, with internal and published modifications).

Labcorp Genetics (formerly Invitae), Labcorp
Classification: Benign. Last evaluated: 2024-09-18. Review status: criteria provided, single submitter. Criteria: Invitae Variant Classification Sherloc (09022015). Collection method: clinical testing. Allele origin: germline.